The following is an entry in ClinVar:

ClinVar aggregate classification (germline): Uncertain significance (1 of 4 stars; one submission).

Submission:

GeneDx
Classification: Uncertain significance. Last evaluated: 2023-12-12. Review status: criteria provided, single submitter. Criteria: GeneDx Variant Classification Process June 2021. Collection method: clinical testing. Allele origin: germline. Affected: yes.
Comment: Not observed at significant frequency in large population cohorts (gnomAD); In silico analysis supports that this missense variant does not alter protein structure/function; Has not been previously published as pathogenic or benign to our knowledge

NM_001136157.2(OTUD5):c.325C>G (p.Pro109Ala)

Genes: OTUD5 (OTU deubiquitinase 5; minus strand), LOC130068266 (ATAC-STARR-seq lymphoblastoid silent region 20828; plus strand). Cytogenetic location: Xp11.23.
Variant type: single nucleotide variant.
Coding change: c.325C>G on transcript NM_001136157.2 (MANE Select); coding-DNA position 325, C replaced by G.
Protein change: p.Pro109Ala; replaces proline 109 with alanine.
Molecular consequence: missense variant. On other transcripts: intron variant (1).
Genome position (GRCh38, 1-based): chrX:48,957,246, G>C on the plus strand (C>G on the coding strand, the complement: OTUD5 is on the minus strand). VCF-style: chrX-48957246-G-C. GRCh37 (hg19) VCF-style: chrX-48814508-G-C.
Other names: c.325C>G, p.Pro109Ala (NM_001136158.2, NM_017602.4); c.-58+986C>G (NM_001136159.2); short protein forms P109A.
Identifiers: ClinVar variation 3365416 (VCV003365416.1).
Genomic context (GRCh38, chrX:48,957,246, plus strand): 5'-CGCCCGCGGCACCCACACCCGCCGCCGCTGCGCCCAGCGCGTCGCCGGGACCGCCGCCGG[G>C]ACCACCTGGGCCCCCGCAAGGAGGTGGAGAAGCCTGTTGTGGCCGGGGACCCGCCACTGC-3'
Protein context (NP_001129629.1, residues 99-119): SPPPCGGPGG[Pro109Ala]GGGPGDALGA